The following is an entry in ClinVar:

NM_000548.5(TSC2):c.4010C>A (p.Ser1337Tyr)

Gene: TSC2 (TSC complex subunit 2; plus strand). Cytogenetic location: 16p13.3.
Variant type: single nucleotide variant.
Coding change: c.4010C>A on transcript NM_000548.5 (MANE Select); coding-DNA position 4010, C replaced by A.
Protein change: p.Ser1337Tyr; replaces serine 1337 with tyrosine.
Molecular consequence: missense variant.
Genome position (GRCh38, 1-based): chr16:2,084,232, C>A. VCF-style: chr16-2084232-C-A. GRCh37 (hg19) VCF-style: chr16-2134233-C-A.
Other names: c.3809C>A, p.Ser1270Tyr (NM_001077183.3); c.3941C>A, p.Ser1314Tyr (NM_001114382.3); c.3701C>A, p.Ser1234Tyr (NM_001318827.2); c.3665C>A, p.Ser1222Tyr (NM_001318829.2); c.3278C>A, p.Ser1093Tyr (NM_001318831.2); c.3842C>A, p.Ser1281Tyr (NM_001318832.2); c.3812C>A, p.Ser1271Tyr (NM_001363528.2); c.3878C>A, p.Ser1293Tyr (NM_001370404.1); and 1 more; short protein forms S1337Y, S1222Y, S1270Y, S1271Y, S1281Y, S1294Y, S1093Y, S1234Y.
Identifiers: ClinVar variation 566913 (VCV000566913.7), dbSNP rs200411484, ClinGen allele CA394299139.

ClinVar aggregate classification (germline): Uncertain significance (1 of 4 stars; one submission).

Conditions:
Tuberous sclerosis 2 (TSC2). Identifiers: Orphanet 805, MedGen C1860707, MONDO:0013199, OMIM 613254.

Submission:

Labcorp Genetics (formerly Invitae), Labcorp
Classification: Uncertain significance for Tuberous sclerosis 2. Last evaluated: 2025-09-27. Review status: criteria provided, single submitter. Criteria: Invitae Variant Classification Sherloc (09022015). Collection method: clinical testing. Allele origin: germline.
Comment: This sequence change replaces serine, which is neutral and polar, with tyrosine, which is neutral and polar, at codon 1337 of the TSC2 protein (p.Ser1337Tyr). This variant is not present in population databases (gnomAD no frequency). This variant has not been reported in the literature in individuals affected with TSC2-related conditions. ClinVar contains an entry for this variant (Variation ID: 566913). Invitae Evidence Modeling of protein sequence and biophysical properties (such as structural, functional, and spatial information, amino acid conservation, physicochemical variation, residue mobility, and thermodynamic stability) indicates that this missense variant is not expected to disrupt TSC2 protein function with a negative predictive value of 95%. In summary, the available evidence is currently insufficient to determine the role of this variant in disease. Therefore, it has been classified as a Variant of Uncertain Significance.